The following is an entry in ClinVar:

NC_000006.11:g.(?_66094259)_(66417118_?)del

Gene: EYS (eyes shut homolog; minus strand). Cytogenetic location: 6q12.
Variant type: Deletion.
Identifiers: ClinVar variation 2423836 (VCV002423836.4).

ClinVar aggregate classification (germline): Pathogenic (1 of 4 stars; one submission).

Submission:

Labcorp Genetics (formerly Invitae), Labcorp
Classification: Pathogenic. Last evaluated: 2022-08-08. Review status: criteria provided, single submitter. Criteria: Invitae Variant Classification Sherloc (09022015). Collection method: clinical testing. Allele origin: germline.
Comment: For these reasons, this variant has been classified as Pathogenic. This variant has not been reported in the literature in individuals affected with EYS-related conditions. This variant is a gross deletion of the genomic region encompassing exon(s) 1-8 of the EYS gene, which includes the initiator codon. This deletion extends beyond the assayed region for this gene and therefore may encompass additional genes. It is expected to result in an absent or disrupted protein product. Loss-of-function variants in EYS are known to be pathogenic (PMID: 18836446, 20333770).

Literature cited by the submitters: PubMed 18836446; PubMed 20333770.